The following is an entry in ClinVar:

NM_016953.4(PDE11A):c.1708T>C (p.Ser570Pro)

Gene: PDE11A (phosphodiesterase 11A; minus strand). Cytogenetic location: 2q31.2.
Variant type: single nucleotide variant.
Coding change: c.1708T>C on transcript NM_016953.4 (MANE Select); coding-DNA position 1708, T replaced by C.
Protein change: p.Ser570Pro; replaces serine 570 with proline.
Molecular consequence: missense variant.
Genome position (GRCh38, 1-based): chr2:177,816,858, A>G on the plus strand (T>C on the coding strand, the complement: PDE11A is on the minus strand). VCF-style: chr2-177816858-A-G. GRCh37 (hg19) VCF-style: chr2-178681585-A-G.
Other names: c.376T>C, p.Ser126Pro (NM_001077196.2); c.958T>C, p.Ser320Pro (NM_001077197.2); c.634T>C, p.Ser212Pro (NM_001077358.2); c.1708T>C (NM_016953.3); short protein forms S126P, S212P, S320P, S570P.
Identifiers: ClinVar variation 2651570 (VCV002651570.26), dbSNP rs149795546, ClinGen allele CA1981850.

ClinVar aggregate classification (germline): Benign. Review status: criteria provided, single submitter (1 of 4 stars). 3 submissions from 3 submitters: Benign (1). 2 of the submissions do not count toward it. Last evaluated 2025-11-01.

Conditions:
PDE11A-related disorder. Also called: PDE11A-related condition.
Pigmented nodular adrenocortical disease, primary, 2 (PPNAD2). Also called: CUSHING SYNDROME, ADRENAL, DUE TO PPNAD2; PIGMENTED MICRONODULAR ADRENOCORTICAL DISEASE, PRIMARY, 2. Identifiers: Orphanet 189439, MedGen C1864851, MONDO:0012505, OMIM 610475.

Allele frequency attached by ClinVar (database versions not stated): 1000 Genomes Project 30x 0.00031; 1000 Genomes Project 0.00040; gnomAD 0.00050; TOPMed 0.00063; gnomAD exomes 0.00064; ExAC 0.00080; ESP Exome Variant Server 0.00085.
gnomAD v4.1: 1,029 of 1,607,464 alleles (0.064%); highest among the groups gnomAD compares: Middle Eastern, 0.63%; 5 homozygotes.

Submissions (3):

CeGaT Center for Human Genetics Tuebingen
Classification: Benign. Last evaluated: 2025-11-01. Review status: criteria provided, single submitter. Criteria: CeGaT Center For Human Genetics Tuebingen Variant Classification Criteria Version 2. Collection method: clinical testing. Allele origin: germline. Affected: yes. Observed: 2 variant alleles.
Comment: PDE11A: BS1, BS2

PreventionGenetics, part of Exact Sciences
Classification: Likely benign for PDE11A-related condition. Last evaluated: 2020-09-25. Review status: no assertion criteria provided. Collection method: clinical testing. Allele origin: germline. Not counted in ClinVar's aggregate classification.
Comment: This variant is classified as likely benign based on ACMG/AMP sequence variant interpretation guidelines (Richards et al. 2015 PMID: 25741868, with internal and published modifications).

Dr.Nikuei Genetic Center
Classification: Benign for Pigmented nodular adrenocortical disease, primary, 2. Review status: no assertion criteria provided. Collection method: clinical testing. Allele origin: germline. Inheritance: Autosomal dominant inheritance. Affected: no. Not counted in ClinVar's aggregate classification.